The following is an entry in ClinVar:

ClinVar aggregate classification (germline): Conflicting classifications of pathogenicity. Review status: criteria provided, conflicting classifications (1 of 4 stars). 5 submissions from 5 submitters: Uncertain significance (3); Likely benign (1). 1 of the submissions does not count toward it. Last evaluated 2025-07-31.

Conditions:
Optic atrophy. Identifiers: MedGen C0029124, MONDO:0003608, HP:0000648.
Inborn genetic diseases. Identifiers: MedGen C0950123, MeSH D030342.

Allele frequency attached by ClinVar (database versions not stated): 1000 Genomes Project below 0.00001; gnomAD exomes 0.00003 and 0.00008; ExAC 0.00011; TOPMed 0.00032; gnomAD 0.00038 and 0.00041; ESP Exome Variant Server 0.00040.
gnomAD v4.1: 111 of 1,613,932 alleles (0.0069%); highest among the groups gnomAD compares: African/African-American, 0.12%; no homozygotes.

Submissions (5):

Labcorp Genetics (formerly Invitae), Labcorp
Classification: Uncertain significance. Last evaluated: 2025-07-31. Review status: criteria provided, single submitter. Criteria: Invitae Variant Classification Sherloc (09022015). Collection method: clinical testing. Allele origin: germline.
Comment: This sequence change replaces methionine, which is neutral and non-polar, with valine, which is neutral and non-polar, at codon 200 of the KIAA1549 protein (p.Met200Val). This variant is present in population databases (rs371772877, gnomAD 0.1%). This missense change has been observed in individual(s) with retinitis pigmentosa (internal data). ClinVar contains an entry for this variant (Variation ID: 852474). An algorithm developed to predict the effect of missense changes on protein structure and function outputs the following: PolyPhen-2: "Benign". The valine amino acid residue is found in multiple mammalian species, which suggests that this missense change does not adversely affect protein function. In summary, the available evidence is currently insufficient to determine the role of this variant in disease. Therefore, it has been classified as a Variant of Uncertain Significance.

Blueprint Genetics
Classification: Likely benign. Last evaluated: 2024-09-26. Review status: criteria provided, single submitter. Criteria: ACMG Guidelines, 2015. Collection method: clinical testing. Allele origin: germline.

Ambry Genetics
Classification: Uncertain significance for Inborn genetic diseases. Last evaluated: 2024-07-02. Review status: criteria provided, single submitter. Criteria: Ambry Variant Classification Scheme 2023. Collection method: clinical testing. Allele origin: germline.

Breakthrough Genomics
Classification: Uncertain significance. Review status: criteria provided, single submitter. Criteria: ACMG Guidelines, 2015. Collection method: not provided. Allele origin: germline. Inheritance: Autosomal recessive inheritance. Affected: yes.

Institute of Human Genetics, Univ. Regensburg, Univ. Regensburg
Classification: Uncertain significance for Optic atrophy. Last evaluated: 2023-01-01. Review status: no assertion criteria provided. Criteria: ACMG Guidelines, 2015. Collection method: clinical testing. Allele origin: germline. Affected: yes. Not counted in ClinVar's aggregate classification.

NM_001164665.2(KIAA1549):c.598A>G (p.Met200Val)

Gene: KIAA1549 (KIAA1549; minus strand). Cytogenetic location: 7q34.
Variant type: single nucleotide variant.
Coding change: c.598A>G on transcript NM_001164665.2 (MANE Select); coding-DNA position 598, A replaced by G.
Protein change: p.Met200Val; replaces methionine 200 with valine.
Molecular consequence: missense variant.
Genome position (GRCh38, 1-based): chr7:138,919,028, T>C on the plus strand (A>G on the coding strand, the complement: KIAA1549 is on the minus strand). VCF-style: chr7-138919028-T-C. GRCh37 (hg19) VCF-style: chr7-138603774-T-C.
Other names: c.598A>G, p.Met200Val (NM_020910.3); short protein forms M200V.
Identifiers: ClinVar variation 852474 (VCV000852474.11), dbSNP rs371772877, ClinGen allele CA4506912.
Genomic context (GRCh38, chr7:138,919,028, plus strand): 5'-CTGGTTGTCGCGTTGTGTTCTGCCAGCCCGATGTCACTTCTTCATCTTGTAAAGAAACCA[T>C]GGGTAATGATGGAGTGAGCATAGGTTCTAATGCTTCCCTGGGCAGCCCTGGTGGGCTGAC-3'
Protein context (NP_001158137.1, residues 190-210): LEPMLTPSLP[Met200Val]VSLQDEEVTS